The following is an entry in ClinVar:

NM_001457.4(FLNB):c.6533G>A (p.Gly2178Asp)

Gene: FLNB (filamin B; plus strand). Cytogenetic location: 3p14.3.
Variant type: single nucleotide variant.
Coding change: c.6533G>A on transcript NM_001457.4 (MANE Select); coding-DNA position 6533, G replaced by A.
Protein change: p.Gly2178Asp; replaces glycine 2178 with aspartic acid.
Molecular consequence: missense variant.
Genome position (GRCh38, 1-based): chr3:58,153,540, G>A. VCF-style: chr3-58153540-G-A. GRCh37 (hg19) VCF-style: chr3-58139267-G-A.
Other names: c.6500G>A, p.Gly2167Asp (NM_001164318.2); c.6461G>A, p.Gly2154Asp (NM_001164319.2); c.6626G>A, p.Gly2209Asp (NM_001164317.2); short protein forms G2178D, G2209D, G2154D, G2167D.
Identifiers: ClinVar variation 3635750 (VCV003635750.2).

ClinVar aggregate classification (germline): Uncertain significance (1 of 4 stars; one submission).

gnomAD v4.1: 4 of 1,614,026 alleles (0.00025%); highest among the groups gnomAD compares: Non-Finnish European, 0.00034%; no homozygotes.

Submission:

Labcorp Genetics (formerly Invitae), Labcorp
Classification: Uncertain significance. Last evaluated: 2024-03-19. Review status: criteria provided, single submitter. Criteria: Invitae Variant Classification Sherloc (09022015). Collection method: clinical testing. Allele origin: germline.
Comment: This sequence change replaces glycine, which is neutral and non-polar, with aspartic acid, which is acidic and polar, at codon 2178 of the FLNB protein (p.Gly2178Asp). This variant is not present in population databases (gnomAD no frequency). This variant has not been reported in the literature in individuals affected with FLNB-related conditions. Advanced modeling of protein sequence and biophysical properties (such as structural, functional, and spatial information, amino acid conservation, physicochemical variation, residue mobility, and thermodynamic stability) performed at Invitae indicates that this missense variant is not expected to disrupt FLNB protein function with a negative predictive value of 95%. In summary, the available evidence is currently insufficient to determine the role of this variant in disease. Therefore, it has been classified as a Variant of Uncertain Significance.